The following is an entry in ClinVar:

ClinVar aggregate classification (germline): Likely benign. Review status: criteria provided, multiple submitters, no conflicts (2 of 4 stars). 2 submissions from 2 submitters: Likely benign (2). Last evaluated 2026-03-19.

Conditions:
USH2A-related disorder. Also called: USH2A-related disorders; USH2A-related condition. Identifiers: MedGen CN239332.

Allele frequency attached by ClinVar (database versions not stated): gnomAD exomes 0.00001 and 0.00002; gnomAD 0.00005; ESP Exome Variant Server 0.00008; TOPMed 0.00009.
gnomAD v4.1: 14 of 1,613,940 alleles (0.00087%); highest among the groups gnomAD compares: African/African-American, 0.011%; no homozygotes.

Submissions (2):

PreventionGenetics, part of Exact Sciences
Classification: Likely benign for USH2A-related condition. Last evaluated: 2026-03-19. Review status: criteria provided, single submitter. Criteria: ACMG Guidelines, 2015. Collection method: clinical testing. Allele origin: germline.
Comment: This variant is classified as likely benign based on ACMG/AMP sequence variant interpretation guidelines (Richards et al. 2015 PMID: 25741868, with internal and published modifications).

Labcorp Genetics (formerly Invitae), Labcorp
Classification: Likely benign. Last evaluated: 2025-10-01. Review status: criteria provided, single submitter. Criteria: Invitae Variant Classification Sherloc (09022015). Collection method: clinical testing. Allele origin: germline.

NM_206933.4(USH2A):c.2733C>T (p.Thr911=)

Genes: USH2A (usherin; minus strand), LOC122152296 (Sharpr-MPRA regulatory region 8762; plus strand). Cytogenetic location: 1q41.
Variant type: single nucleotide variant.
Coding change: c.2733C>T on transcript NM_206933.4 (MANE Select); coding-DNA position 2733, C replaced by T.
Protein change: p.Thr911=; no amino-acid change (threonine 911 retained).
Molecular consequence: synonymous variant.
Genome position (GRCh38, 1-based): chr1:216,246,661, G>A on the plus strand (C>T on the coding strand, the complement: USH2A is on the minus strand). VCF-style: chr1-216246661-G-A. GRCh37 (hg19) VCF-style: chr1-216420003-G-A.
Other names: c.2733C>T, p.Thr911= (NM_007123.6); c.2733C>T (NM_206933.2).
Identifiers: ClinVar variation 1082217 (VCV001082217.10), dbSNP rs375996450, ClinGen allele CA37501048.